The following is an entry in ClinVar:

ClinVar aggregate classification (germline): Uncertain significance (1 of 4 stars; one submission).

Submission:

GeneDx
Classification: Uncertain significance. Last evaluated: 2022-06-14. Review status: criteria provided, single submitter. Criteria: GeneDx Variant Classification Process June 2021. Collection method: clinical testing. Allele origin: germline. Affected: yes.
Comment: Not observed at significant frequency in large population cohorts (gnomAD); In silico analysis supports that this missense variant has a deleterious effect on protein structure/function; Has not been previously published as pathogenic or benign to our knowledge

NM_001845.6(COL4A1):c.160C>T (p.Pro54Ser)

Gene: COL4A1 (collagen type IV alpha 1 chain; minus strand). Cytogenetic location: 13q34.
Variant type: single nucleotide variant.
Coding change: c.160C>T on transcript NM_001845.6 (MANE Select); coding-DNA position 160, C replaced by T.
Protein change: p.Pro54Ser; replaces proline 54 with serine.
Molecular consequence: missense variant.
Genome position (GRCh38, 1-based): chr13:110,214,000, G>A on the plus strand (C>T on the coding strand, the complement: COL4A1 is on the minus strand). VCF-style: chr13-110214000-G-A. GRCh37 (hg19) VCF-style: chr13-110866347-G-A.
Other names: c.160C>T, p.Pro54Ser (NM_001303110.2); short protein forms P54S.
Identifiers: ClinVar variation 1804593 (VCV001804593.1), dbSNP rs2501608074, ClinGen allele CA388727170.